The following is an entry in ClinVar:

ClinVar aggregate classification (germline): Uncertain significance. Review status: criteria provided, multiple submitters, no conflicts (2 of 4 stars). 2 submissions from 2 submitters: Uncertain significance (2). Last evaluated 2025-11-11.

Conditions:
Inborn genetic diseases. Identifiers: MedGen C0950123, MeSH D030342.

Allele frequency attached by ClinVar (database versions not stated): gnomAD exomes 0.00002; ExAC 0.00003; TOPMed 0.00007; gnomAD 0.00009 and 0.00011.
gnomAD v4.1: 46 of 1,591,168 alleles (0.0029%); highest among the groups gnomAD compares: African/African-American, 0.011%; no homozygotes.

Submissions (2):

Labcorp Genetics (formerly Invitae), Labcorp
Classification: Uncertain significance. Last evaluated: 2025-11-11. Review status: criteria provided, single submitter. Criteria: Invitae Variant Classification Sherloc (09022015). Collection method: clinical testing. Allele origin: germline.
Comment: This sequence change replaces threonine, which is neutral and polar, with isoleucine, which is neutral and non-polar, at codon 47 of the C7 protein (p.Thr47Ile). This variant is present in population databases (rs41271063, gnomAD 0.007%). This variant has not been reported in the literature in individuals affected with C7-related conditions. ClinVar contains an entry for this variant (Variation ID: 1443105). An algorithm developed to predict the effect of missense changes on protein structure and function outputs the following: PolyPhen-2: "Benign". The isoleucine amino acid residue is found in multiple mammalian species, which suggests that this missense change does not adversely affect protein function. In summary, the available evidence is currently insufficient to determine the role of this variant in disease. Therefore, it has been classified as a Variant of Uncertain Significance.

Ambry Genetics
Classification: Uncertain significance for Inborn genetic diseases. Last evaluated: 2022-09-07. Review status: criteria provided, single submitter. Criteria: Ambry Variant Classification Scheme 2023. Collection method: clinical testing. Allele origin: germline.

NM_000587.4(C7):c.140C>T (p.Thr47Ile)

Gene: C7 (complement C7; plus strand). Cytogenetic location: 5p13.1.
Variant type: single nucleotide variant.
Coding change: c.140C>T on transcript NM_000587.4 (MANE Select); coding-DNA position 140, C replaced by T.
Protein change: p.Thr47Ile; replaces threonine 47 with isoleucine.
Molecular consequence: missense variant.
Genome position (GRCh38, 1-based): chr5:40,934,326, C>T. VCF-style: chr5-40934326-C-T. GRCh37 (hg19) VCF-style: chr5-40934428-C-T.
Other names: c.140C>T (NM_000587.2); short protein forms T47I.
Identifiers: ClinVar variation 1443105 (VCV001443105.7), dbSNP rs41271063, ClinGen allele CA3249544.